The following is an entry in ClinVar:

NM_000466.3(PEX1):c.3592del (p.Ala1198fs)

Genes: GATAD1 (GATA zinc finger domain containing 1; plus strand), PEX1 (peroxisomal biogenesis factor 1; minus strand). Cytogenetic location: 7q21.2.
Variant type: Deletion.
Coding change: c.3592del on transcript NM_000466.3 (MANE Select); coding-DNA position 3592, one base deleted (G; older notation c.3592delG).
Protein change: p.Ala1198fs; shifts the reading frame from alanine 1198.
Molecular consequence: frameshift variant.
Genome position (GRCh38, 1-based): chr7:92,489,758, C deleted on the plus strand (G on the coding strand, the reverse complement: PEX1 is on the minus strand); the first of 3 consecutive C bases (chr7:92,489,758-92,489,760); deleting any one gives the same sequence. VCF-style (leftmost placement, unchanged base first): chr7-92489757-GC-G. GRCh37 (hg19) VCF-style: chr7-92119071-GC-G.
Other names: c.3421del, p.Ala1141fs (NM_001282677.2); c.2968del, p.Ala990fs (NM_001282678.2); short protein forms A1198fs, A990fs, A1141fs.
Identifiers: ClinVar variation 2115987 (VCV002115987.4), dbSNP rs2484612618, ClinGen allele CA2580077474.

ClinVar aggregate classification (germline): Pathogenic (1 of 4 stars; one submission).

Conditions:
Zellweger spectrum disorders (ZS). Also called: Zellweger syndrome; Zellweger Spectrum Disorder; Zellweger Spectrum; Zellweger Spectrum Disorder (ZSD). Identifiers: Orphanet 912, MedGen C0043459, MONDO:0019609.

Submission:

Labcorp Genetics (formerly Invitae), Labcorp
Classification: Pathogenic for Zellweger spectrum disorders. Last evaluated: 2022-03-23. Review status: criteria provided, single submitter. Criteria: Invitae Variant Classification Sherloc (09022015). Collection method: clinical testing. Allele origin: germline.
Comment: For these reasons, this variant has been classified as Pathogenic. This variant has not been reported in the literature in individuals affected with PEX1-related conditions. This variant is not present in population databases (gnomAD no frequency). This sequence change creates a premature translational stop signal (p.Ala1198Glnfs*20) in the PEX1 gene. It is expected to result in an absent or disrupted protein product. Loss-of-function variants in PEX1 are known to be pathogenic (PMID: 9398847, 16086329, 16141001, 21031596, 26387595, 31831025).

Literature cited by the submitters: PubMed 9398847; PubMed 16086329; PubMed 16141001; PubMed 21031596; PubMed 26387595; PubMed 31831025.